The following is an entry in ClinVar:

ClinVar aggregate classification (germline): Uncertain significance (1 of 4 stars; one submission).

Submission:

CeGaT Center for Human Genetics Tuebingen
Classification: Uncertain significance. Last evaluated: 2025-10-01. Review status: criteria provided, single submitter. Criteria: CeGaT Center For Human Genetics Tuebingen Variant Classification Criteria Version 2. Collection method: clinical testing. Allele origin: germline. Affected: yes. Observed: 1 variant allele.
Comment: TTN: PM2

NM_001267550.2(TTN):c.39013C>T (p.Pro13005Ser)

Gene: TTN (titin; minus strand). Cytogenetic location: 2q31.2.
Variant type: single nucleotide variant.
Coding change: c.39013C>T on transcript NM_001267550.2 (MANE Select); coding-DNA position 39013, C replaced by T.
Protein change: p.Pro13005Ser; replaces proline 13005 with serine.
Molecular consequence: missense variant. On other transcripts: intron variant (5).
Genome position (GRCh38, 1-based): chr2:178,652,683, G>A on the plus strand (C>T on the coding strand, the complement: TTN is on the minus strand). VCF-style: chr2-178652683-G-A. GRCh37 (hg19) VCF-style: chr2-179517410-G-A.
Other names: c.13283-10366C>T (NM_003319.4); c.13859-10366C>T (NM_133437.4); c.13658-10366C>T (NM_133432.3); c.31742-142C>T (NM_133378.4); c.34523-142C>T (NM_001256850.1); short protein forms P13005S.
Identifiers: ClinVar variation 4534130 (VCV004534130.6).
Genomic context (GRCh38, chr2:178,652,683, plus strand): 5'-CTTCTGACGCTTAAACTCAATGACAAATACCTTTAACAGGTGGGACTTCAGGCTTTTTAG[G>A]AGGAGCCGAGGGCACTTTCTTTTCAGGAACAACCTCTTTGGGAGCCTCTGGTACTTAAAA-3'
Protein context (NP_001254479.2, residues 12995-13015): VPEKKVPSAP[Pro13005Ser]KKPEVPPVKV